The following is an entry in ClinVar:

ClinVar aggregate classification (germline): Uncertain significance (1 of 4 stars; one submission).

Conditions:
Malignant hyperthermia, susceptibility to, 5 (MHS5). Also called: CACNA1S-Related Malignant Hyperthermia Susceptibility. Identifiers: Orphanet 423, MedGen C1866077, MONDO:0011163, OMIM 601887.

Allele frequency attached by ClinVar (database versions not stated): TOPMed 0.00001.

Submission:

All of Us Research Program, National Institutes of Health
Classification: Uncertain significance for Malignant hyperthermia, susceptibility to, 5. Last evaluated: 2023-12-01. Review status: criteria provided, single submitter. Criteria: ACMG Guidelines, 2015. Collection method: clinical testing. Allele origin: germline. Inheritance: Autosomal dominant inheritance. Observed: 2 variant alleles, 2 heterozygotes.
Comment: This study involves interpretation of variants in research participants for the purpose of population health screening. Participant phenotype was not available at the time of variant classification. Additional details can be found in publication PMID: 35346344, PMCID: PMC8962531

NM_000069.3(CACNA1S):c.610C>T (p.Leu204Phe)

Gene: CACNA1S (calcium voltage-gated channel subunit alpha1 S; minus strand). Cytogenetic location: 1q32.1.
Variant type: single nucleotide variant.
Coding change: c.610C>T on transcript NM_000069.3 (MANE Select); coding-DNA position 610, C replaced by T.
Protein change: p.Leu204Phe; replaces leucine 204 with phenylalanine.
Molecular consequence: missense variant.
Genome position (GRCh38, 1-based): chr1:201,091,724, G>A on the plus strand (C>T on the coding strand, the complement: CACNA1S is on the minus strand). VCF-style: chr1-201091724-G-A. GRCh37 (hg19) VCF-style: chr1-201060852-G-A.
Other names: short protein forms L204F.
Identifiers: ClinVar variation 3070574 (VCV003070574.1), dbSNP rs753823016, ClinGen allele CA35996571.